The following is an entry in ClinVar:

ClinVar aggregate classification (germline): Likely benign (1 of 4 stars; one submission).

Allele frequency attached by ClinVar (database versions not stated): 1000 Genomes Project 30x 0.00047; ExAC 0.00052; 1000 Genomes Project 0.00060; gnomAD 0.00123; ESP Exome Variant Server 0.00131.
gnomAD v4.1: 537 of 1,613,284 alleles (0.033%); highest among the groups gnomAD compares: African/African-American, 0.39%; 3 homozygotes.

Submission:

CeGaT Center for Human Genetics Tuebingen
Classification: Likely benign. Last evaluated: 2022-11-01. Review status: criteria provided, single submitter. Criteria: CeGaT Center For Human Genetics Tuebingen Variant Classification Criteria Version 2. Collection method: clinical testing. Allele origin: germline. Affected: yes. Observed: 1 variant allele.
Comment: PRB3: BP4

NM_001394862.1(PRB3):c.154C>T (p.Pro52Ser)

Gene: PRB3 (proline rich protein BstNI subfamily 3; minus strand). Cytogenetic location: 12p13.2.
Variant type: single nucleotide variant.
Coding change: c.154C>T on transcript NM_001394862.1 (MANE Select); coding-DNA position 154, C replaced by T.
Protein change: p.Pro52Ser; replaces proline 52 with serine.
Molecular consequence: missense variant.
Genome position (GRCh38, 1-based): chr12:11,268,095, G>A on the plus strand (C>T on the coding strand, the complement: PRB3 is on the minus strand). VCF-style: chr12-11268095-G-A. GRCh37 (hg19) VCF-style: chr12-11421029-G-A.
Other names: c.154C>T, p.Pro52Ser (NM_006249.5); short protein forms P52S.
Identifiers: ClinVar variation 2642714 (VCV002642714.24), dbSNP rs199739275, ClinGen allele CA6452254.